The following is an entry in ClinVar:

NM_006904.7(PRKDC):c.328A>G (p.Thr110Ala)

Gene: PRKDC (protein kinase, DNA-activated, catalytic subunit; minus strand). Cytogenetic location: 8q11.21.
Variant type: single nucleotide variant.
Coding change: c.328A>G on transcript NM_006904.7 (MANE Select); coding-DNA position 328, A replaced by G.
Protein change: p.Thr110Ala; replaces threonine 110 with alanine.
Molecular consequence: missense variant.
Genome position (GRCh38, 1-based): chr8:47,955,945, T>C on the plus strand (A>G on the coding strand, the complement: PRKDC is on the minus strand). VCF-style: chr8-47955945-T-C. GRCh37 (hg19) VCF-style: chr8-48868505-T-C.
Other names: c.328A>G, p.Thr110Ala (NM_001081640.2); short protein forms T110A.
Identifiers: ClinVar variation 1729817 (VCV001729817.2), dbSNP rs2090693229, ClinGen allele CA371140576.

ClinVar aggregate classification (germline): Uncertain significance (1 of 4 stars; one submission).

Submission:

Ambry Genetics
Classification: Uncertain significance. Last evaluated: 2022-07-14. Review status: criteria provided, single submitter. Criteria: Ambry Variant Classification Scheme 2023. Collection method: clinical testing. Allele origin: germline.
Comment: The p.T110A variant (also known as c.328A>G), located in coding exon 4 of the PRKDC gene, results from an A to G substitution at nucleotide position 328. The threonine at codon 110 is replaced by alanine, an amino acid with similar properties. This amino acid position is conserved. In addition, this alteration is predicted to be tolerated by in silico analysis. Since supporting evidence is limited at this time, the clinical significance of this alteration remains unclear.